The following is an entry in ClinVar:

ClinVar aggregate classification (germline): Uncertain significance. Review status: criteria provided, multiple submitters, no conflicts (2 of 4 stars). 2 submissions from 2 submitters: Uncertain significance (2). Last evaluated 2023-04-11.

Conditions:
Multiple endocrine neoplasia, type 1 (MEN1). Also called: MEN I; WERMER SYNDROME; Endocrine adenomatosis multiple; MEN 1; MEA I. Identifiers: Orphanet 652, MedGen C0025267, MeSH D018761, MONDO:0007540, OMIM 131100.
Hereditary cancer-predisposing syndrome. Also called: Tumor predisposition; Hereditary Cancer Syndrome; Neoplastic Syndromes, Hereditary; Hereditary neoplastic syndrome. Identifiers: Orphanet 140162, MedGen C0027672, MeSH D009386, MONDO:0015356.

Submissions (2):

Ambry Genetics
Classification: Uncertain significance for Hereditary cancer-predisposing syndrome. Last evaluated: 2023-04-11. Review status: criteria provided, single submitter. Criteria: Ambry Variant Classification Scheme 2023. Collection method: clinical testing. Allele origin: germline.
Comment: The p.G478S variant (also known as c.1432G>A), located in coding exon 9 of the MEN1 gene, results from a G to A substitution at nucleotide position 1432. The glycine at codon 478 is replaced by serine, an amino acid with similar properties. This amino acid position is conserved. In addition, the in silico prediction for this alteration is inconclusive. Since supporting evidence is limited at this time, the clinical significance of this alteration remains unclear.

Labcorp Genetics (formerly Invitae), Labcorp
Classification: Uncertain significance for Multiple endocrine neoplasia, type 1. Last evaluated: 2020-01-31. Review status: criteria provided, single submitter. Criteria: Invitae Variant Classification Sherloc (09022015). Collection method: clinical testing. Allele origin: germline.
Comment: In summary, the available evidence is currently insufficient to determine the role of this variant in disease. Therefore, it has been classified as a Variant of Uncertain Significance. Algorithms developed to predict the effect of missense changes on protein structure and function are either unavailable or do not agree on the potential impact of this missense change (SIFT: "Deleterious"; PolyPhen-2: "Probably Damaging"; Align-GVGD: "Class C0"). This variant has not been reported in the literature in individuals with MEN1-related conditions. This variant is not present in population databases (ExAC no frequency). This sequence change replaces glycine with serine at codon 478 of the MEN1 protein (p.Gly478Ser). The glycine residue is highly conserved and there is a small physicochemical difference between glycine and serine.

NM_001370259.2(MEN1):c.1432G>A (p.Gly478Ser)

Gene: MEN1 (menin 1; minus strand). Cytogenetic location: 11q13.1.
Variant type: single nucleotide variant.
Coding change: c.1432G>A on transcript NM_001370259.2 (MANE Select); coding-DNA position 1432, G replaced by A.
Protein change: p.Gly478Ser; replaces glycine 478 with serine.
Molecular consequence: missense variant.
Genome position (GRCh38, 1-based): chr11:64,804,735, C>T on the plus strand (G>A on the coding strand, the complement: MEN1 is on the minus strand). VCF-style: chr11-64804735-C-T. GRCh37 (hg19) VCF-style: chr11-64572207-C-T.
Other names: c.1447G>A, p.Gly483Ser (NM_000244.4, NM_130800.3, NM_130801.3 and 3 more transcripts); c.1558G>A, p.Gly520Ser (NM_001370251.2); c.1432G>A, p.Gly478Ser (NM_001370260.2, NM_001370261.2, NM_130799.3); c.1327G>A, p.Gly443Ser (NM_001370262.2, NM_001370263.2); c.1432G>A (NM_130799.2); short protein forms G443S, G478S, G483S, G520S.
Identifiers: ClinVar variation 1014232 (VCV001014232.10), dbSNP rs1941551993, ClinGen allele CA381179354.